The following is an entry in ClinVar:

ClinVar aggregate classification (germline): Likely pathogenic (1 of 4 stars; one submission).

Conditions:
Hereditary cancer-predisposing syndrome. Also called: Hereditary Cancer Syndrome; Hereditary neoplastic syndrome; Neoplastic Syndromes, Hereditary; Tumor predisposition. Identifiers: Orphanet 140162, MedGen C0027672, MeSH D009386, MONDO:0015356.

Submission:

Ambry Genetics
Classification: Likely pathogenic for Hereditary cancer-predisposing syndrome. Last evaluated: 2019-08-22. Review status: criteria provided, single submitter. Criteria: Ambry Autosomal Dominant and X-Linked criteria (3/2017). Collection method: clinical testing. Allele origin: germline. Observed: 1 variant allele.
Comment: The EX3_7dup gross duplication spans coding exons 3 through 7 in the BRCA1 gene; however, the exact breakpoints of the duplication were not determined. A duplication of this region, designated as a duplication of exons 5-9, was identified in a proband with a personal and family history of ovarian cancer (Aktas D et al. Gynecol. Oncol. 2010 Oct;119(1):131-5). In addition, RNA analysis identified this as a tandem duplication that is predicted to disrupt gene function (Ambry internal data). Based on the majority of available evidence to date, this variant is likely to be pathogenic.

Literature cited by the submitters: PubMed 20638108; PubMed 26187060.

NM_007294.3:c.(134+1_135-1)_(593+1_594-1)dup

Gene: BRCA1 (BRCA1 DNA repair associated; minus strand).
Variant type: Duplication.
Identifiers: ClinVar variation 1065539 (VCV001065539.2).